The following is an entry in ClinVar:

NM_012210.4(TRIM32):c.1562G>C (p.Cys521Ser)

Genes: ASTN2 (astrotactin 2; minus strand), TRIM32 (tripartite motif containing 32; plus strand). Cytogenetic location: 9q33.1.
Variant type: single nucleotide variant.
Coding change: c.1562G>C on transcript NM_012210.4 (MANE Select); coding-DNA position 1562, G replaced by C.
Protein change: p.Cys521Ser; replaces cysteine 521 with serine.
Molecular consequence: missense variant. On other transcripts: intron variant (3).
Genome position (GRCh38, 1-based): chr9:116,699,304, G>C. VCF-style: chr9-116699304-G-C. GRCh37 (hg19) VCF-style: chr9-119461583-G-C.
Other names: c.1562G>C, p.Cys521Ser (NM_001099679.2, NM_001379048.1, NM_001379049.1 and 1 more transcripts); c.2653+26467C>G (NM_014010.5); c.2794+26467C>G (NM_001365069.1); c.2806+26467C>G (NM_001365068.1); short protein forms C521S.
Identifiers: ClinVar variation 4997398 (VCV004997398.1).
Genomic context (GRCh38, chr9:116,699,304, plus strand): 5'-GATCAGGGGTGGTCAAATACAGCTGCCTATGTAGTGCTGTGCGGCCCAAATTTGTCACCT[G>C]TGATGCTGAGGGCACCGTCTACTTCACCCAGGGCTTAGGCCTCAATCTGGAGAATCGGCA-3'
Protein context (NP_036342.2, residues 511-531): CSAVRPKFVT[Cys521Ser]DAEGTVYFTQ

ClinVar aggregate classification (germline): Uncertain significance (1 of 4 stars; one submission).

Conditions:
TRIM32-related disorder. Also called: TRIM32-related condition.

gnomAD v4.1: 1 of 1,614,086 alleles (0.000062%); highest among the groups gnomAD compares: Admixed American, 0.0017%; no homozygotes.

Submission:

PreventionGenetics, part of Exact Sciences
Classification: Uncertain significance for TRIM32-related condition. Last evaluated: 2025-07-09. Review status: criteria provided, single submitter. Criteria: ACMG Guidelines, 2015. Collection method: clinical testing. Allele origin: germline.
Comment: The TRIM32 c.1562G>C variant is predicted to result in the amino acid substitution p.Cys521Ser. To our knowledge, this variant has not been reported in the literature or in a large population database (gnomAD), indicating this variant is rare. At this time, the clinical significance of this variant is uncertain due to the absence of conclusive functional and genetic evidence.